The following is an entry in ClinVar:

ClinVar aggregate classification (germline): Likely benign (1 of 4 stars; one submission).

gnomAD v4.1: 61 of 1,614,052 alleles (0.0038%); highest among the groups gnomAD compares: Non-Finnish European, 0.005%; no homozygotes.

Submission:

CeGaT Center for Human Genetics Tuebingen
Classification: Likely benign. Last evaluated: 2024-07-01. Review status: criteria provided, single submitter. Criteria: CeGaT Center For Human Genetics Tuebingen Variant Classification Criteria Version 2. Collection method: clinical testing. Allele origin: germline. Affected: yes. Observed: 1 variant allele.
Comment: NR3C2: BP4, BP7

NM_000901.5(NR3C2):c.711C>T (p.Cys237=)

Gene: NR3C2 (nuclear receptor subfamily 3 group C member 2; minus strand). Cytogenetic location: 4q31.23.
Variant type: single nucleotide variant.
Coding change: c.711C>T on transcript NM_000901.5 (MANE Select); coding-DNA position 711, C replaced by T.
Protein change: p.Cys237=; no amino-acid change (cysteine 237 retained).
Molecular consequence: synonymous variant. On other transcripts: non-coding transcript variant (1).
Genome position (GRCh38, 1-based): chr4:148,436,150, G>A on the plus strand (C>T on the coding strand, the complement: NR3C2 is on the minus strand). VCF-style: chr4-148436150-G-A. GRCh37 (hg19) VCF-style: chr4-149357302-G-A.
Other names: c.711C>T, p.Cys237= (NM_001166104.2, NM_001354819.1).
Identifiers: ClinVar variation 3257509 (VCV003257509.17).